The following is an entry in ClinVar:

ClinVar aggregate classification (germline): Likely benign (0 of 4 stars; one submission).

Conditions:
NAF1-related disorder. Also called: NAF1-related condition.

Allele frequency attached by ClinVar (database versions not stated): gnomAD 0.00003; TOPMed 0.00006; 1000 Genomes Project 30x 0.00031; 1000 Genomes Project 0.00040.
gnomAD v4.1: 6 of 1,607,522 alleles (0.00037%); highest among the groups gnomAD compares: African/African-American, 0.0054%; no homozygotes.

Submission:

PreventionGenetics, part of Exact Sciences
Classification: Likely benign for NAF1-related condition. Last evaluated: 2020-04-14. Review status: no assertion criteria provided. Collection method: clinical testing. Allele origin: germline.
Comment: This variant is classified as likely benign based on ACMG/AMP sequence variant interpretation guidelines (Richards et al. 2015 PMID: 25741868, with internal and published modifications).

NM_138386.3(NAF1):c.750A>G (p.Pro250=)

Gene: NAF1 (nuclear assembly factor 1 ribonucleoprotein; minus strand). Cytogenetic location: 4q32.2.
Variant type: single nucleotide variant.
Coding change: c.750A>G on transcript NM_138386.3 (MANE Select); coding-DNA position 750, A replaced by G.
Protein change: p.Pro250=; no amino-acid change (proline 250 retained).
Molecular consequence: synonymous variant.
Genome position (GRCh38, 1-based): chr4:163,140,351, T>C on the plus strand (A>G on the coding strand, the complement: NAF1 is on the minus strand). VCF-style: chr4-163140351-T-C. GRCh37 (hg19) VCF-style: chr4-164061503-T-C.
Other names: c.750A>G, p.Pro250= (NM_001128931.2).
Identifiers: ClinVar variation 3053919 (VCV003053919.2), dbSNP rs561225500, ClinGen allele CA3126270.